The following is an entry in ClinVar:

NM_001145860.2(POP1):c.2125G>A (p.Glu709Lys)

Gene: POP1 (POP1 ribonuclease P/MRP subunit; plus strand). Cytogenetic location: 8q22.2.
Variant type: single nucleotide variant.
Coding change: c.2125G>A on transcript NM_001145860.2 (MANE Select); coding-DNA position 2125, G replaced by A.
Protein change: p.Glu709Lys; replaces glutamic acid 709 with lysine.
Molecular consequence: missense variant.
Genome position (GRCh38, 1-based): chr8:98,156,117, G>A. VCF-style: chr8-98156117-G-A. GRCh37 (hg19) VCF-style: chr8-99168345-G-A.
Other names: c.2125G>A, p.Glu709Lys (NM_001145861.2, NM_015029.3); short protein forms E709K.
Identifiers: ClinVar variation 2789349 (VCV002789349.3), dbSNP rs2488098324, ClinGen allele CA371773757.

ClinVar aggregate classification (germline): Uncertain significance (1 of 4 stars; one submission).

Submission:

Labcorp Genetics (formerly Invitae), Labcorp
Classification: Uncertain significance. Last evaluated: 2024-01-11. Review status: criteria provided, single submitter. Criteria: Invitae Variant Classification Sherloc (09022015). Collection method: clinical testing. Allele origin: germline.
Comment: This sequence change replaces glutamic acid, which is acidic and polar, with lysine, which is basic and polar, at codon 709 of the POP1 protein (p.Glu709Lys). This variant is not present in population databases (gnomAD no frequency). This variant has not been reported in the literature in individuals affected with POP1-related conditions. An algorithm developed to predict the effect of missense changes on protein structure and function (PolyPhen-2) suggests that this variant is likely to be tolerated. In summary, the available evidence is currently insufficient to determine the role of this variant in disease. Therefore, it has been classified as a Variant of Uncertain Significance.